The following is an entry in ClinVar:

NM_005585.5(SMAD6):c.178G>A (p.Val60Ile)

Gene: SMAD6 (SMAD family member 6; plus strand). Cytogenetic location: 15q22.31.
Variant type: single nucleotide variant.
Coding change: c.178G>A on transcript NM_005585.5 (MANE Select); coding-DNA position 178, G replaced by A.
Protein change: p.Val60Ile; replaces valine 60 with isoleucine.
Molecular consequence: missense variant. On other transcripts: non-coding transcript variant (1).
Genome position (GRCh38, 1-based): chr15:66,703,436, G>A. VCF-style: chr15-66703436-G-A. GRCh37 (hg19) VCF-style: chr15-66995774-G-A.
Other names: short protein forms V60I.
Identifiers: ClinVar variation 1007439 (VCV001007439.12), dbSNP rs1298929102, ClinGen allele CA392948817.
Genomic context (GRCh38, chr15:66,703,436, plus strand): 5'-GGCAGCCGAGCTGAGCCGGCCCCGCGGGCAAGAGAGGGCGGAGGCTGCGGCCGCTCCGAA[G>A]TCCGCCCGGTAGCCCCGCGGCGGCCCCGGGACGCAGTGGGACAGCGAGGCGCCCAGGGCG-3'
Protein context (NP_005576.3, residues 50-70): REGGGCGRSE[Val60Ile]RPVAPRRPRD

ClinVar aggregate classification (germline): Uncertain significance. Review status: criteria provided, multiple submitters, no conflicts (2 of 4 stars). 2 submissions from 2 submitters: Uncertain significance (2). Last evaluated 2025-07-04.

Conditions:
Aortic valve disease 2 (AOVD2). Identifiers: MedGen C3542024, MONDO:0013902, OMIM 614823.
Inborn genetic diseases. Identifiers: MedGen C0950123, MeSH D030342.

gnomAD v4.1: 2 of 1,287,366 alleles (0.00016%); highest among the groups gnomAD compares: Non-Finnish European, 0.0002%; no homozygotes.

Submissions (2):

Ambry Genetics
Classification: Uncertain significance for Inborn genetic diseases. Last evaluated: 2025-07-04. Review status: criteria provided, single submitter. Criteria: Ambry Variant Classification Scheme 2023. Collection method: clinical testing. Allele origin: germline.

Labcorp Genetics (formerly Invitae), Labcorp
Classification: Uncertain significance for Aortic valve disease 2. Last evaluated: 2020-10-28. Review status: criteria provided, single submitter. Criteria: Invitae Variant Classification Sherloc (09022015). Collection method: clinical testing. Allele origin: germline.
Comment: In summary, the available evidence is currently insufficient to determine the role of this variant in disease. Therefore, it has been classified as a Variant of Uncertain Significance. Algorithms developed to predict the effect of missense changes on protein structure and function output the following: SIFT: "Tolerated"; PolyPhen-2: "Benign"; Align-GVGD: "Class C0". The isoleucine amino acid residue is found in multiple mammalian species, suggesting that this missense change does not adversely affect protein function. These predictions have not been confirmed by published functional studies and their clinical significance is uncertain. This variant has not been reported in the literature in individuals with SMAD6-related conditions. The frequency data for this variant in the population databases is considered unreliable, as metrics indicate insufficient coverage at this position in the ExAC database. This sequence change replaces valine with isoleucine at codon 60 of the SMAD6 protein (p.Val60Ile). The valine residue is weakly conserved and there is a small physicochemical difference between valine and isoleucine.